The following is an entry in ClinVar:

NM_006947.4(SRP72):c.64G>A (p.Gly22Ser)

Gene: SRP72 (signal recognition particle 72; plus strand). Cytogenetic location: 4q12.
Variant type: single nucleotide variant.
Coding change: c.64G>A on transcript NM_006947.4 (MANE Select); coding-DNA position 64, G replaced by A.
Protein change: p.Gly22Ser; replaces glycine 22 with serine.
Molecular consequence: missense variant. On other transcripts: non-coding transcript variant (1).
Genome position (GRCh38, 1-based): chr4:56,467,699, G>A. VCF-style: chr4-56467699-G-A. GRCh37 (hg19) VCF-style: chr4-57333865-G-A.
Other names: c.64G>A, p.Gly22Ser (NM_001267722.2); short protein forms G22S.
Identifiers: ClinVar variation 4589595 (VCV004589595.1).
Genomic context (GRCh38, chr4:56,467,699, plus strand): 5'-GCGAGCGGCGGCAGCGGGGGGGTGTCAGTACCTGCGCTGTGGAGTGAAGTGAACCGGTAT[G>A]GCCAGAACGGCGACTTCACGCGCGCTCTCAAGACCGTCAATAAGAGTAAGTGTCGGGGTG-3'
Protein context (NP_008878.3, residues 12-32): PALWSEVNRY[Gly22Ser]QNGDFTRALK

ClinVar aggregate classification (germline): Uncertain significance (1 of 4 stars; one submission).

Submission:

Ambry Genetics
Classification: Uncertain significance. Last evaluated: 2025-10-05. Review status: criteria provided, single submitter. Criteria: Ambry Variant Classification Scheme 2023. Collection method: clinical testing. Allele origin: germline.
Comment: The p.G22S variant (also known as c.64G>A), located in coding exon 1 of the SRP72 gene, results from a G to A substitution at nucleotide position 64. The glycine at codon 22 is replaced by serine, an amino acid with similar properties. This amino acid position is conserved. In addition, the in silico prediction for this alteration is inconclusive. Based on the available evidence, the clinical significance of this variant remains unclear.